The following is an entry in ClinVar:

ClinVar aggregate classification (germline): Pathogenic (1 of 4 stars; one submission).

Conditions:
KBG syndrome (KBGS). Also called: ANKRD11-Related KBG Syndrome. Identifiers: Orphanet 2332, MedGen C0220687, MONDO:0007846, OMIM 148050.

Submission:

3billion
Classification: Pathogenic for KBG syndrome. Last evaluated: 2021-10-02. Review status: criteria provided, single submitter. Criteria: ACMG Guidelines, 2015. Collection method: clinical testing. Allele origin: germline. Affected: yes. Observed: 1 heterozygote.
Comment: Canonical splice site: predicted to alter splicing and result in a loss or disruption of normal protein function through nonsense-mediated decay (NMD) or protein truncation. Multiple pathogenic variants are reported downstream of the variant (PVS1_VS). The variant was observed as assumed (i.e. paternity and maternity not confirmed) de novoo (3billion dataset, PM6). It is not observed in the gnomAD v2.1.1 dataset (PM2). Therefore, this variant is classified as pathogenic according to the recommendation of ACMG/AMP guideline.

NM_013275.6(ANKRD11):c.397+1G>A

Gene: ANKRD11 (ankyrin repeat domain 11; minus strand). Cytogenetic location: 16q24.3.
Variant type: single nucleotide variant.
Coding change: c.397+1G>A on transcript NM_013275.6 (MANE Select); the canonical splice donor site of the intron after coding-DNA position 397, G replaced by A.
Molecular consequence: splice donor variant.
Genome position (GRCh38, 1-based): chr16:89,291,012, C>T on the plus strand (G>A on the coding strand, the complement: ANKRD11 is on the minus strand). VCF-style: chr16-89291012-C-T. GRCh37 (hg19) VCF-style: chr16-89357420-C-T.
Other names: c.397+1G>A (NM_001256183.2, NM_001256182.2).
Identifiers: ClinVar variation 1320081 (VCV001320081.1), dbSNP rs2151797766, ClinGen allele CA397167557.